The following is an entry in ClinVar:

NM_031433.4(MFRP):c.728G>A (p.Gly243Glu)

Genes: C1QTNF5 (C1q and TNF related 5; minus strand), MFRP (membrane frizzled-related protein; minus strand). Cytogenetic location: 11q23.3.
Variant type: single nucleotide variant.
Coding change: c.728G>A on transcript NM_031433.4 (MANE Select); coding-DNA position 728, G replaced by A.
Protein change: p.Gly243Glu; replaces glycine 243 with glutamic acid.
Molecular consequence: missense variant. On other transcripts: 5 prime UTR variant (1).
Genome position (GRCh38, 1-based): chr11:119,344,918, C>T on the plus strand (G>A on the coding strand, the complement: MFRP is on the minus strand). VCF-style: chr11-119344918-C-T. GRCh37 (hg19) VCF-style: chr11-119215628-C-T.
Other names: c.-1909G>A (NM_015645.5); short protein forms G243E.
Identifiers: ClinVar variation 1052387 (VCV001052387.7), dbSNP rs751515203, ClinGen allele CA6320436.

ClinVar aggregate classification (germline): Uncertain significance (1 of 4 stars; one submission).

Conditions:
Isolated microphthalmia 5. Also called: Posterior Microphthalmia with Retinitis Pigmentosa, Foveoschisis, and Optic Disc Drusen. Identifiers: Orphanet 251279, MedGen C1970236, MONDO:0012605, OMIM 611040.

Allele frequency attached by ClinVar (database versions not stated): TOPMed below 0.00001.
gnomAD v4.1: 13 of 1,612,118 alleles (0.00081%); highest among the groups gnomAD compares: Admixed American, 0.02%; no homozygotes.

Submission:

Labcorp Genetics (formerly Invitae), Labcorp
Classification: Uncertain significance for Isolated microphthalmia 5. Last evaluated: 2022-09-27. Review status: criteria provided, single submitter. Criteria: Invitae Variant Classification Sherloc (09022015). Collection method: clinical testing. Allele origin: germline.
Comment: This sequence change replaces glycine, which is neutral and non-polar, with glutamic acid, which is acidic and polar, at codon 243 of the MFRP protein (p.Gly243Glu). This variant is present in population databases (rs751515203, gnomAD 0.03%). This variant has not been reported in the literature in individuals affected with MFRP-related conditions. ClinVar contains an entry for this variant (Variation ID: 1052387). Advanced modeling of protein sequence and biophysical properties (such as structural, functional, and spatial information, amino acid conservation, physicochemical variation, residue mobility, and thermodynamic stability) performed at Invitae indicates that this missense variant is not expected to disrupt MFRP protein function. In summary, the available evidence is currently insufficient to determine the role of this variant in disease. Therefore, it has been classified as a Variant of Uncertain Significance.